The following is an entry in ClinVar:

ClinVar aggregate classification (germline): Uncertain significance. Review status: criteria provided, multiple submitters, no conflicts (2 of 4 stars). 3 submissions from 3 submitters: Uncertain significance (3). Last evaluated 2026-04-28.

Conditions:
Inborn genetic diseases. Identifiers: MedGen C0950123, MeSH D030342.

Allele frequency attached by ClinVar (database versions not stated): gnomAD exomes below 0.00001.

Submissions (3):

Ambry Genetics
Classification: Uncertain significance for Inborn genetic diseases. Last evaluated: 2026-04-28. Review status: criteria provided, single submitter. Criteria: Ambry Variant Classification Scheme 2023. Collection method: clinical testing. Allele origin: germline.
Comment: The p.Y931H variant (also known as c.2791T>C), located in coding exon 1 of the SAMD9L gene, results from a T to C substitution at nucleotide position 2791. The tyrosine at codon 931 is replaced by histidine, an amino acid with similar properties. This amino acid position is conserved. In addition, the in silico prediction for this alteration is inconclusive. Based on the available evidence, the clinical significance of this variant remains unclear.

Blueprint Genetics
Classification: Uncertain significance. Last evaluated: 2024-07-24. Review status: criteria provided, single submitter. Criteria: ACMG Guidelines, 2015. Collection method: clinical testing. Allele origin: germline.

Labcorp Genetics (formerly Invitae), Labcorp
Classification: Uncertain significance. Last evaluated: 2024-05-20. Review status: criteria provided, single submitter. Criteria: Invitae Variant Classification Sherloc (09022015). Collection method: clinical testing. Allele origin: germline.
Comment: This sequence change replaces tyrosine, which is neutral and polar, with histidine, which is basic and polar, at codon 931 of the SAMD9L protein (p.Tyr931His). This variant is not present in population databases (gnomAD no frequency). This variant has not been reported in the literature in individuals affected with SAMD9L-related conditions. ClinVar contains an entry for this variant (Variation ID: 1713834). Advanced modeling of protein sequence and biophysical properties (such as structural, functional, and spatial information, amino acid conservation, physicochemical variation, residue mobility, and thermodynamic stability) has been performed at Invitae for this missense variant, however the output from this modeling did not meet the statistical confidence thresholds required to predict the impact of this variant on SAMD9L protein function. In summary, the available evidence is currently insufficient to determine the role of this variant in disease. Therefore, it has been classified as a Variant of Uncertain Significance.

NM_152703.5(SAMD9L):c.2791T>C (p.Tyr931His)

Gene: SAMD9L (sterile alpha motif domain containing 9 like; minus strand). Cytogenetic location: 7q21.2.
Variant type: single nucleotide variant.
Coding change: c.2791T>C on transcript NM_152703.5 (MANE Select); coding-DNA position 2791, T replaced by C.
Protein change: p.Tyr931His; replaces tyrosine 931 with histidine.
Molecular consequence: missense variant.
Genome position (GRCh38, 1-based): chr7:93,133,181, A>G on the plus strand (T>C on the coding strand, the complement: SAMD9L is on the minus strand). VCF-style: chr7-93133181-A-G. GRCh37 (hg19) VCF-style: chr7-92762494-A-G.
Other names: c.2791T>C (NM_152703.2); c.2791T>C, p.Tyr931His (NM_001303496.3, NM_001303497.3, NM_001303498.3 and 5 more transcripts); short protein forms Y931H.
Identifiers: ClinVar variation 1713834 (VCV001713834.7), dbSNP rs2535417485, ClinGen allele CA368186392.